The following is an entry in ClinVar:

NM_004239.4(TRIP11):c.3233C>T (p.Thr1078Ile)

Gene: TRIP11 (thyroid hormone receptor interactor 11; minus strand). Cytogenetic location: 14q32.12.
Variant type: single nucleotide variant.
Coding change: c.3233C>T on transcript NM_004239.4 (MANE Select); coding-DNA position 3233, C replaced by T.
Protein change: p.Thr1078Ile; replaces threonine 1078 with isoleucine.
Molecular consequence: missense variant.
Genome position (GRCh38, 1-based): chr14:92,004,743, G>A on the plus strand (C>T on the coding strand, the complement: TRIP11 is on the minus strand). VCF-style: chr14-92004743-G-A. GRCh37 (hg19) VCF-style: chr14-92471087-G-A.
Other names: c.3230C>T, p.Thr1077Ile (NM_001321851.1); short protein forms T1078I, T1077I.
Identifiers: ClinVar variation 1461956 (VCV001461956.6), dbSNP rs2056875659, ClinGen allele CA390653556.

ClinVar aggregate classification (germline): Uncertain significance (1 of 4 stars; one submission).

Conditions:
Achondrogenesis, type IA (ACG1A). Identifiers: Orphanet 932, Orphanet 93299, MedGen C0265273, MONDO:0008701, OMIM 200600.

Allele frequency attached by ClinVar (database versions not stated): TOPMed below 0.00001.

Submission:

Labcorp Genetics (formerly Invitae), Labcorp
Classification: Uncertain significance for Achondrogenesis, type IA. Last evaluated: 2022-09-07. Review status: criteria provided, single submitter. Criteria: Invitae Variant Classification Sherloc (09022015). Collection method: clinical testing. Allele origin: germline.
Comment: In summary, the available evidence is currently insufficient to determine the role of this variant in disease. Therefore, it has been classified as a Variant of Uncertain Significance. Algorithms developed to predict the effect of missense changes on protein structure and function are either unavailable or do not agree on the potential impact of this missense change (SIFT: "Not Available"; PolyPhen-2: "Benign"; Align-GVGD: "Not Available"). ClinVar contains an entry for this variant (Variation ID: 1461956). This variant has not been reported in the literature in individuals affected with TRIP11-related conditions. This variant is not present in population databases (gnomAD no frequency). This sequence change replaces threonine with isoleucine at codon 1078 of the TRIP11 protein (p.Thr1078Ile). The threonine residue is weakly conserved and there is a moderate physicochemical difference between threonine and isoleucine.